The following is an entry in ClinVar:

NM_016111.4(TELO2):c.2227-1G>A

Gene: TELO2 (telomere maintenance 2; plus strand). Cytogenetic location: 16p13.3.
Variant type: single nucleotide variant.
Coding change: c.2227-1G>A on transcript NM_016111.4 (MANE Select); the canonical splice acceptor site of the intron before coding-DNA position 2227, G replaced by A.
Molecular consequence: splice acceptor variant.
Genome position (GRCh38, 1-based): chr16:1,507,305, G>A. VCF-style: chr16-1507305-G-A. GRCh37 (hg19) VCF-style: chr16-1557306-G-A.
Other names: c.2227-1G>A (NM_001351846.2).
Identifiers: ClinVar variation 3689592 (VCV003689592.2).

ClinVar aggregate classification (germline): Likely pathogenic (1 of 4 stars; one submission).

Submission:

Labcorp Genetics (formerly Invitae), Labcorp
Classification: Likely pathogenic. Last evaluated: 2024-06-17. Review status: criteria provided, single submitter. Criteria: Invitae Variant Classification Sherloc (09022015). Collection method: clinical testing. Allele origin: germline.
Comment: This sequence change affects an acceptor splice site in intron 18 of the TELO2 gene. It is expected to disrupt RNA splicing. Variants that disrupt the donor or acceptor splice site typically lead to a loss of protein function (PMID: 16199547), and loss-of-function variants in TELO2 are known to be pathogenic (PMID: 28944240). This variant is not present in population databases (gnomAD no frequency). This variant has not been reported in the literature in individuals affected with TELO2-related conditions. Algorithms developed to predict the effect of sequence changes on RNA splicing suggest that this variant may disrupt the consensus splice site. In summary, the currently available evidence indicates that the variant is pathogenic, but additional data are needed to prove that conclusively. Therefore, this variant has been classified as Likely Pathogenic.

Literature cited by the submitters: PubMed 16199547; PubMed 28944240.